The following is an entry in ClinVar:

NM_020297.4(ABCC9):c.2371C>T (p.Gln791Ter)

Gene: ABCC9 (ATP binding cassette subfamily C member 9; minus strand). Cytogenetic location: 12p12.1.
Variant type: single nucleotide variant.
Coding change: c.2371C>T on transcript NM_020297.4 (MANE Select); coding-DNA position 2371, C replaced by T.
Protein change: p.Gln791Ter; replaces glutamine 791 with a stop codon.
Molecular consequence: nonsense.
Genome position (GRCh38, 1-based): chr12:21,861,024, G>A on the plus strand (C>T on the coding strand, the complement: ABCC9 is on the minus strand). VCF-style: chr12-21861024-G-A. GRCh37 (hg19) VCF-style: chr12-22013958-G-A.
Other names: c.2371C>T, p.Gln791Ter (NM_001377273.1, NM_005691.4); c.1504C>T, p.Gln502Ter (NM_001377274.1); short protein forms Q502*, Q791*.
Identifiers: ClinVar variation 1022992 (VCV001022992.8), dbSNP rs1945477588, ClinGen allele CA384128400.

ClinVar aggregate classification (germline): Pathogenic (1 of 4 stars; one submission).

Conditions:
Dilated cardiomyopathy 1O (CMD1O). Also called: CARDIOMYOPATHY, DILATED, WITH VENTRICULAR TACHYCARDIA. Identifiers: Orphanet 154, MedGen C1837839, MONDO:0012062, OMIM 608569.

Submission:

Labcorp Genetics (formerly Invitae), Labcorp
Classification: Pathogenic for Dilated cardiomyopathy 1O. Last evaluated: 2024-10-07. Review status: criteria provided, single submitter. Criteria: Invitae Variant Classification Sherloc (09022015). Collection method: clinical testing. Allele origin: germline.
Comment: This sequence change creates a premature translational stop signal (p.Gln791*) in the ABCC9 gene. It is expected to result in an absent or disrupted protein product. Loss-of-function variants in ABCC9 are known to be pathogenic (PMID: 31575858, 38217872). This variant is not present in population databases (gnomAD no frequency). This variant has not been reported in the literature in individuals affected with ABCC9-related conditions. ClinVar contains an entry for this variant (Variation ID: 1022992). Algorithms developed to predict the effect of sequence changes on RNA splicing suggest that this variant may disrupt the consensus splice site. For these reasons, this variant has been classified as Pathogenic.

Literature cited by the submitters: PubMed 31575858; PubMed 38217872.